The following is an entry in ClinVar:

NM_020921.4(NIN):c.3446A>C (p.Asp1149Ala)

Gene: NIN (ninein; minus strand). Cytogenetic location: 14q22.1.
Variant type: single nucleotide variant.
Coding change: c.3446A>C on transcript NM_020921.4 (MANE Select); coding-DNA position 3446, A replaced by C.
Protein change: p.Asp1149Ala; replaces aspartic acid 1149 with alanine.
Molecular consequence: missense variant. On other transcripts: intron variant (1).
Genome position (GRCh38, 1-based): chr14:50,757,584, T>G on the plus strand (A>C on the coding strand, the complement: NIN is on the minus strand). VCF-style: chr14-50757584-T-G. GRCh37 (hg19) VCF-style: chr14-51224302-T-G.
Other names: c.3446A>C, p.Asp1149Ala (NM_182944.3, NM_182946.2); c.2399+2273A>C (NM_016350.5); short protein forms D1149A.
Identifiers: ClinVar variation 4557674 (VCV004557674.2).

ClinVar aggregate classification (germline): Uncertain significance. Review status: criteria provided, multiple submitters, no conflicts (2 of 4 stars). 2 submissions from 2 submitters: Uncertain significance (2). Last evaluated 2025-12-03.

gnomAD v4.1: 18 of 1,614,038 alleles (0.0011%); highest among the groups gnomAD compares: Non-Finnish European, 0.0015%; no homozygotes.

Submissions (2):

Labcorp Genetics (formerly Invitae), Labcorp
Classification: Uncertain significance. Last evaluated: 2025-12-03. Review status: criteria provided, single submitter. Criteria: Invitae Variant Classification Sherloc (09022015). Collection method: clinical testing. Allele origin: germline.
Comment: This sequence change replaces aspartic acid, which is acidic and polar, with alanine, which is neutral and non-polar, at codon 1149 of the NIN protein (p.Asp1149Ala). This variant is not present in population databases (gnomAD no frequency). This variant has not been reported in the literature in individuals affected with NIN-related conditions. An algorithm developed to predict the effect of missense changes on protein structure and function (PolyPhen-2) suggests that this variant is likely to be tolerated. In summary, the available evidence is currently insufficient to determine the role of this variant in disease. Therefore, it has been classified as a Variant of Uncertain Significance.

Ambry Genetics
Classification: Uncertain significance. Last evaluated: 2025-09-25. Review status: criteria provided, single submitter. Criteria: Ambry Variant Classification Scheme 2023. Collection method: clinical testing. Allele origin: germline.